The following is an entry in ClinVar:

NM_005045.4(RELN):c.9443+200A>G

Genes: RELN (reelin; minus strand), SLC26A5-AS1 (SLC26A5 antisense RNA 1; plus strand). Cytogenetic location: 7q22.1.
Variant type: single nucleotide variant.
Coding change: c.9443+200A>G on transcript NM_005045.4 (MANE Select); 200 bases into the intron after coding-DNA position 9443, A replaced by G.
Molecular consequence: intron variant.
Genome position (GRCh38, 1-based): chr7:103,491,753, T>C on the plus strand (A>G on the coding strand, the complement: RELN is on the minus strand). VCF-style: chr7-103491753-T-C. GRCh37 (hg19) VCF-style: chr7-103132200-T-C.
Other names: c.9443+200A>G (NM_173054.3).
Identifiers: ClinVar variation 670929 (VCV000670929.1), dbSNP rs10236350, ClinGen allele CA12702668.

ClinVar aggregate classification (germline): Benign (1 of 4 stars; one submission).

Allele frequency attached by ClinVar (database versions not stated): gnomAD 0.15075 and 0.15173; TOPMed 0.15497; 1000 Genomes Project 0.16194.
gnomAD v4.1: 22,864 of 151,308 alleles (15%); highest among the groups gnomAD compares: African/African-American, 25%; 2,043 homozygotes.

Submission:

GeneDx
Classification: Benign. Last evaluated: 2018-06-19. Review status: criteria provided, single submitter. Criteria: GeneDx Variant Classification (06012015). Collection method: clinical testing. Allele origin: germline. Affected: yes.
Comment: This variant is considered likely benign or benign based on one or more of the following criteria: it is a conservative change, it occurs at a poorly conserved position in the protein, it is predicted to be benign by multiple in silico algorithms, and/or has population frequency not consistent with disease.